The following is an entry in ClinVar:

NM_020533.3(MCOLN1):c.1610T>C (p.Leu537Pro)

Gene: MCOLN1 (mucolipin TRP cation channel 1; plus strand). Cytogenetic location: 19p13.2.
Variant type: single nucleotide variant.
Coding change: c.1610T>C on transcript NM_020533.3 (MANE Select); coding-DNA position 1610, T replaced by C.
Protein change: p.Leu537Pro; replaces leucine 537 with proline.
Molecular consequence: missense variant.
Genome position (GRCh38, 1-based): chr19:7,533,557, T>C. VCF-style: chr19-7533557-T-C. GRCh37 (hg19) VCF-style: chr19-7598443-T-C.
Other names: short protein forms L537P.
Identifiers: ClinVar variation 3658653 (VCV003658653.1).

ClinVar aggregate classification (germline): Uncertain significance (1 of 4 stars; one submission).

Conditions:
Mucolipidosis type IV (ML4). Also called: ML IV. Identifiers: Orphanet 578, MedGen C0238286, MONDO:0009653, OMIM 252650.

gnomAD v4.1: 1 of 1,612,062 alleles (0.000062%); highest among the groups gnomAD compares: Non-Finnish European, 0.000085%; no homozygotes.

Submission:

Labcorp Genetics (formerly Invitae), Labcorp
Classification: Uncertain significance for Mucolipidosis type IV. Last evaluated: 2024-07-10. Review status: criteria provided, single submitter. Criteria: Invitae Variant Classification Sherloc (09022015). Collection method: clinical testing. Allele origin: germline.
Comment: This sequence change replaces leucine, which is neutral and non-polar, with proline, which is neutral and non-polar, at codon 537 of the MCOLN1 protein (p.Leu537Pro). This variant is not present in population databases (gnomAD no frequency). This variant has not been reported in the literature in individuals affected with MCOLN1-related conditions. Advanced modeling of protein sequence and biophysical properties (such as structural, functional, and spatial information, amino acid conservation, physicochemical variation, residue mobility, and thermodynamic stability) performed at Invitae indicates that this missense variant is expected to disrupt MCOLN1 protein function with a positive predictive value of 95%. In summary, the available evidence is currently insufficient to determine the role of this variant in disease. Therefore, it has been classified as a Variant of Uncertain Significance.